The following is an entry in ClinVar:

NM_001032382.2(PQBP1):c.266C>T (p.Ala89Val)

Gene: PQBP1 (polyglutamine binding protein 1; plus strand). Cytogenetic location: Xp11.23.
Variant type: single nucleotide variant.
Coding change: c.266C>T on transcript NM_001032382.2 (MANE Select); coding-DNA position 266, C replaced by T.
Protein change: p.Ala89Val; replaces alanine 89 with valine.
Molecular consequence: missense variant. On other transcripts: intron variant (1).
Genome position (GRCh38, 1-based): chrX:48,902,016, C>T. VCF-style: chrX-48902016-C-T. GRCh37 (hg19) VCF-style: chrX-48759293-C-T.
Other names: c.266C>T, p.Ala89Val (NM_001032381.2, NM_001032383.2, NM_001032384.1 and 3 more transcripts); c.242C>T, p.Ala81Val (NM_001167990.2); c.201+65C>T (NM_001167992.1); short protein forms A89V, A81V.
Identifiers: ClinVar variation 589632 (VCV000589632.6), dbSNP rs1569510385, ClinGen allele CA412888994.

ClinVar aggregate classification (germline): Uncertain significance. Review status: criteria provided, multiple submitters, no conflicts (2 of 4 stars). 2 submissions from 2 submitters: Uncertain significance (2). Last evaluated 2022-06-02.

Conditions:
Inborn genetic diseases. Identifiers: MedGen C0950123, MeSH D030342.

Allele frequency attached by ClinVar (database versions not stated): gnomAD exomes below 0.00001.
gnomAD v4.1: 2 of 1,211,748 alleles (0.00017%); highest among the groups gnomAD compares: Non-Finnish European, 0.00022%; no homozygotes.

Submissions (2):

GeneDx
Classification: Uncertain significance. Last evaluated: 2022-06-02. Review status: criteria provided, single submitter. Criteria: GeneDx Variant Classification Process June 2021. Collection method: clinical testing. Allele origin: germline. Affected: yes.
Comment: Not observed at significant frequency in large population cohorts (gnomAD); In silico analysis supports that this missense variant has a deleterious effect on protein structure/function; Has not been previously published as pathogenic or benign to our knowledge

Ambry Genetics
Classification: Uncertain significance for Inborn genetic diseases. Last evaluated: 2017-04-24. Review status: criteria provided, single submitter. Criteria: Ambry Variant Classification Scheme 2023. Collection method: clinical testing. Allele origin: germline.
Comment: The p.A89V variant (also known as c.266C>T), located in coding exon 3 of the PQBP1 gene, results from a C to T substitution at nucleotide position 266. The alanine at codon 89 is replaced by valine, an amino acid with similar properties. This amino acid position is well conserved in available vertebrate species. In addition, the in silico prediction for this alteration is inconclusive. Since supporting evidence is limited at this time, the clinical significance of this alteration remains unclear.